The following is an entry in ClinVar:

NM_001999.4(FBN2):c.6973C>T (p.Pro2325Ser)

Gene: FBN2 (fibrillin 2; minus strand). Cytogenetic location: 5q23.3.
Variant type: single nucleotide variant.
Coding change: c.6973C>T on transcript NM_001999.4 (MANE Select); coding-DNA position 6973, C replaced by T.
Protein change: p.Pro2325Ser; replaces proline 2325 with serine.
Molecular consequence: missense variant.
Genome position (GRCh38, 1-based): chr5:128,286,757, G>A on the plus strand (C>T on the coding strand, the complement: FBN2 is on the minus strand). VCF-style: chr5-128286757-G-A. GRCh37 (hg19) VCF-style: chr5-127622449-G-A.
Other names: short protein forms P2325S.
Identifiers: ClinVar variation 1188136 (VCV001188136.7), dbSNP rs751231315, ClinGen allele CA3394258.

ClinVar aggregate classification (germline): Conflicting classifications of pathogenicity. Review status: criteria provided, conflicting classifications (1 of 4 stars). 2 submissions from 2 submitters: Uncertain significance (1); Likely benign (1). Last evaluated 2024-07-05.

Conditions:
Congenital contractural arachnodactyly (CCA). Also called: Arthrogryposis, distal, type 9; BEALS SYNDROME; Beals-Hecht syndrome. Identifiers: Orphanet 115, MedGen C0220668, MONDO:0007363, OMIM 121050.

Allele frequency attached by ClinVar (database versions not stated): gnomAD exomes below 0.00001 and 0.00001; ExAC 0.00001; gnomAD 0.00002; TOPMed 0.00002.
gnomAD v4.1: 13 of 1,614,058 alleles (0.00081%); highest among the groups gnomAD compares: African/African-American, 0.004%; no homozygotes.

Submissions (2):

Labcorp Genetics (formerly Invitae), Labcorp
Classification: Likely benign for Congenital contractural arachnodactyly. Last evaluated: 2024-07-05. Review status: criteria provided, single submitter. Criteria: Invitae Variant Classification Sherloc (09022015). Collection method: clinical testing. Allele origin: germline.

GeneDx
Classification: Uncertain significance. Last evaluated: 2020-03-18. Review status: criteria provided, single submitter. Criteria: GeneDx Variant Classification Process June 2021. Collection method: clinical testing. Allele origin: germline. Affected: yes.
Comment: Has not been previously published as pathogenic or benign to our knowledge; Not observed at a significant frequency in large population cohorts (Lek et al., 2016); In silico analysis supports that this missense variant has a deleterious effect on protein structure/function; Although located in a calcium-binding EGF-like domain of the FBN2 gene, it does not affect a cysteine residue within this domain; cysteine substitutions in the calcium-binding EGF-like domains represent the majority of pathogenic missense changes associated with FBN2-related disorders (Frederic et al., 2009)